The following is an entry in ClinVar:

ClinVar aggregate classification (germline): Uncertain significance. Review status: criteria provided, multiple submitters, no conflicts (2 of 4 stars). 5 submissions from 5 submitters: Uncertain significance (5). Last evaluated 2025-11-13.

Conditions:
Bardet-Biedl syndrome 3 (BBS3). Identifiers: Orphanet 110, MedGen C1859564, MONDO:0010832, OMIM 600151.
Bardet-Biedl syndrome 1 (BBS1). Identifiers: MedGen C2936862, MONDO:0008854, OMIM 209900. Disease mechanism: loss of function.
Retinitis pigmentosa 55 (RP55). Identifiers: Orphanet 791, MedGen C3150808, MONDO:0013312, OMIM 613575.
Inborn genetic diseases. Identifiers: MedGen C0950123, MeSH D030342.
ARL6-related disorder. Also called: ARL6-related condition.

Allele frequency attached by ClinVar (database versions not stated): gnomAD exomes below 0.00001; gnomAD 0.00001; TOPMed 0.00002.
gnomAD v4.1: 5 of 1,600,498 alleles (0.00031%); highest among the groups gnomAD compares: Admixed American, 0.0033%; no homozygotes.

Submissions (5):

Ambry Genetics
Classification: Uncertain significance for Inborn genetic diseases. Last evaluated: 2025-11-13. Review status: criteria provided, single submitter. Criteria: Ambry Variant Classification Scheme 2023. Collection method: clinical testing. Allele origin: germline.

PreventionGenetics, part of Exact Sciences
Classification: Uncertain significance for ARL6-related condition. Last evaluated: 2024-10-04. Review status: criteria provided, single submitter. Criteria: ACMG Guidelines, 2015. Collection method: clinical testing. Allele origin: germline.
Comment: The ARL6 c.52G>A variant is predicted to result in the amino acid substitution p.Val18Ile. To our knowledge, this variant has not been reported in the literature. This variant is reported in 0.0029% of alleles in individuals of Latino descent in gnomAD. At this time, the clinical significance of this variant is uncertain due to the absence of conclusive functional and genetic evidence.

Fulgent Genetics
Classification: Uncertain significance for Bardet-Biedl syndrome 1; Bardet-Biedl syndrome 3; Retinitis pigmentosa 55. Last evaluated: 2024-01-05. Review status: criteria provided, single submitter. Criteria: ACMG Guidelines, 2015. Collection method: clinical testing. Allele origin: germline.

GeneDx
Classification: Uncertain significance. Last evaluated: 2023-05-16. Review status: criteria provided, single submitter. Criteria: GeneDx Variant Classification Process June 2021. Collection method: clinical testing. Allele origin: germline. Affected: yes.
Comment: Not observed at significant frequency in large population cohorts (gnomAD); In silico analysis supports that this missense variant does not alter protein structure/function; Has not been previously published as pathogenic or benign to our knowledge

Labcorp Genetics (formerly Invitae), Labcorp
Classification: Uncertain significance for Retinitis pigmentosa 55; Bardet-Biedl syndrome 3. Last evaluated: 2022-05-15. Review status: criteria provided, single submitter. Criteria: Invitae Variant Classification Sherloc (09022015). Collection method: clinical testing. Allele origin: germline.
Comment: This sequence change replaces valine, which is neutral and non-polar, with isoleucine, which is neutral and non-polar, at codon 18 of the ARL6 protein (p.Val18Ile). This variant is not present in population databases (gnomAD no frequency). This variant has not been reported in the literature in individuals affected with ARL6-related conditions. Algorithms developed to predict the effect of missense changes on protein structure and function are either unavailable or do not agree on the potential impact of this missense change (SIFT: "Tolerated"; PolyPhen-2: "Possibly Damaging"; Align-GVGD: "Class C0"). In summary, the available evidence is currently insufficient to determine the role of this variant in disease. Therefore, it has been classified as a Variant of Uncertain Significance.

NM_001278293.3(ARL6):c.52G>A (p.Val18Ile)

Gene: ARL6 (ARF like GTPase 6; plus strand). Cytogenetic location: 3q11.2.
Variant type: single nucleotide variant.
Coding change: c.52G>A on transcript NM_001278293.3 (MANE Select); coding-DNA position 52, G replaced by A.
Protein change: p.Val18Ile; replaces valine 18 with isoleucine.
Molecular consequence: missense variant. On other transcripts: non-coding transcript variant (7).
Genome position (GRCh38, 1-based): chr3:97,768,159, G>A. VCF-style: chr3-97768159-G-A. GRCh37 (hg19) VCF-style: chr3-97487003-G-A.
Other names: c.52G>A (NM_177976.2, NM_177976.1); c.52G>A, p.Val18Ile (NM_001323513.2, NM_001323514.2, NM_032146.5 and 1 more transcripts); short protein forms V18I.
Identifiers: ClinVar variation 2040498 (VCV002040498.5), dbSNP rs1559668134, ClinGen allele CA353582226.